The following is an entry in ClinVar:

NM_004004.6(GJB2):c.*1197T>A

Gene: GJB2 (gap junction protein beta 2; minus strand). Cytogenetic location: 13q12.11.
Variant type: single nucleotide variant.
Coding change: c.*1197T>A on transcript NM_004004.6 (MANE Select); 1197 bases downstream of the stop codon, T replaced by A.
Molecular consequence: 3 prime UTR variant.
Genome position (GRCh38, 1-based): chr13:20,187,704, A>T on the plus strand (T>A on the coding strand, the complement: GJB2 is on the minus strand). VCF-style: chr13-20187704-A-T. GRCh37 (hg19) VCF-style: chr13-20761843-A-T.
Identifiers: ClinVar variation 311355 (VCV000311355.7), dbSNP rs11841182, ClinGen allele CA10639098.

ClinVar aggregate classification (germline): Benign/Likely benign. Review status: criteria provided, multiple submitters, no conflicts (2 of 4 stars). 5 submissions from 3 submitters: Benign (3); Likely benign (2). Last evaluated 2021-05-19.

Conditions:
Autosomal recessive nonsyndromic hearing loss 1A (DFNB1A). Also called: GJB6-Related DFNB 1 Nonsyndromic Hearing Loss and Deafness; Deafness, autosomal recessive 1A; Nonsyndromic Hearing Loss and Deafness, DFNB1; GJB2-Related Autosomal Recessive Nonsyndromic Hearing Loss; Connexin 26 deafness; Deafness nonsyndromic, Connexin 26 linked. Identifiers: Orphanet 90636, MedGen C2673759, MONDO:0009076, OMIM 220290.
Ichthyosis, hystrix-like, with hearing loss. Also called: Hystrix-like ichthyosis with deafness. Identifiers: Orphanet 477, MedGen C1865234, MONDO:0011245.
Autosomal dominant nonsyndromic hearing loss 3A. Identifiers: Orphanet 90635, MedGen C2675750, MONDO:0011103, OMIM 601544.

Allele frequency attached by ClinVar (database versions not stated): 1000 Genomes Project 0.04034; 1000 Genomes Project 30x 0.04435; TOPMed 0.04602; gnomAD 0.04123 and 0.04451.

Submissions (5):

GeneDx
Classification: Benign. Last evaluated: 2021-05-19. Review status: criteria provided, single submitter. Criteria: GeneDx Variant Classification Process June 2021. Collection method: clinical testing. Allele origin: germline. Affected: yes.

Illumina Laboratory Services, Illumina
Classification: Benign for Autosomal dominant keratitis-ichthyosis-hearing loss syndrome. Last evaluated: 2018-01-12. Review status: criteria provided, single submitter. Criteria: ICSL Variant Classification Criteria 13 December 2019. Collection method: clinical testing. Allele origin: germline.
Comment: This variant was observed in the ICSL laboratory as part of a predisposition screen in an ostensibly healthy population. It had not been previously curated by ICSL or reported in the Human Gene Mutation Database (HGMD: prior to June 1st, 2018), and was therefore a candidate for classification through an automated scoring system. Utilizing variant allele frequency, disease prevalence and penetrance estimates, and inheritance mode, an automated score was calculated to assess if this variant is too frequent to cause the disease. Based on the score and internal cut-off values, a variant classified as benign is not then subjected to further curation. The score for this variant resulted in a classification of benign for this disease.

Illumina Laboratory Services, Illumina
Classification: Likely benign for Autosomal recessive nonsyndromic hearing loss 1A. Last evaluated: 2018-01-12. Review status: criteria provided, single submitter. Criteria: ICSL Variant Classification Criteria 13 December 2019. Collection method: clinical testing. Allele origin: germline.
Comment: This variant was observed in the ICSL laboratory as part of a predisposition screen in an ostensibly healthy population. It had not been previously curated by ICSL or reported in the Human Gene Mutation Database (HGMD: prior to June 1st, 2018), and was therefore a candidate for classification through an automated scoring system. Utilizing variant allele frequency, disease prevalence and penetrance estimates, and inheritance mode, an automated score was calculated to assess if this variant is too frequent to cause the disease. Based on the score and internal cut-off values, a variant classified as likely benign is not then subjected to further curation. The score for this variant resulted in a classification of likely benign for this disease.

Illumina Laboratory Services, Illumina
Classification: Benign for Autosomal dominant nonsyndromic hearing loss 3A. Last evaluated: 2018-01-12. Review status: criteria provided, single submitter. Criteria: ICSL Variant Classification Criteria 13 December 2019. Collection method: clinical testing. Allele origin: germline.
Comment: the same text as in the submission from Illumina Laboratory Services, Illumina above.

Breakthrough Genomics
Classification: Likely benign. Review status: criteria provided, single submitter. Criteria: ACMG Guidelines, 2015. Collection method: not provided. Allele origin: germline. Inheritance: Autosomal recessive inheritance. Affected: yes.